The following is an entry in ClinVar:

NM_001375567.1(FOCAD):c.2795C>T (p.Thr932Ile)

Gene: FOCAD (focadhesin; plus strand). Cytogenetic location: 9p21.3.
Variant type: single nucleotide variant.
Coding change: c.2795C>T on transcript NM_001375567.1 (MANE Select); coding-DNA position 2795, C replaced by T.
Protein change: p.Thr932Ile; replaces threonine 932 with isoleucine.
Molecular consequence: missense variant.
Genome position (GRCh38, 1-based): chr9:20,912,942, C>T. VCF-style: chr9-20912942-C-T. GRCh37 (hg19) VCF-style: chr9-20912941-C-T.
Other names: c.2690C>T, p.Thr897Ile (NM_001375568.1, NM_001375570.1); c.2795C>T, p.Thr932Ile (NM_017794.5); short protein forms T897I, T932I.
Identifiers: ClinVar variation 3096179 (VCV003096179.3), dbSNP rs151080385, ClinGen allele CA5007253.

ClinVar aggregate classification (germline): Uncertain significance. Review status: criteria provided, multiple submitters, no conflicts (2 of 4 stars). 2 submissions from 2 submitters: Uncertain significance (2). Last evaluated 2026-01-21.

Conditions:
Inborn genetic diseases. Identifiers: MedGen C0950123, MeSH D030342.

Allele frequency attached by ClinVar (database versions not stated): ExAC 0.00001; gnomAD 0.00002; TOPMed 0.00002; gnomAD exomes 0.00005; ESP Exome Variant Server 0.00008.
gnomAD v4.1: 76 of 1,612,442 alleles (0.0047%); highest among the groups gnomAD compares: Non-Finnish European, 0.0059%; no homozygotes.

Submissions (2):

Labcorp Genetics (formerly Invitae), Labcorp
Classification: Uncertain significance. Last evaluated: 2026-01-21. Review status: criteria provided, single submitter. Criteria: Invitae Variant Classification Sherloc (09022015). Collection method: clinical testing. Allele origin: germline.
Comment: This sequence change replaces threonine, which is neutral and polar, with isoleucine, which is neutral and non-polar, at codon 932 of the FOCAD protein (p.Thr932Ile). This variant is present in population databases (rs151080385, gnomAD 0.004%). This variant has not been reported in the literature in individuals affected with FOCAD-related conditions. ClinVar contains an entry for this variant (Variation ID: 3096179). Experimental studies and prediction algorithms are not available or were not evaluated, and the functional significance of this variant is currently unknown. In summary, the available evidence is currently insufficient to determine the role of this variant in disease. Therefore, it has been classified as a Variant of Uncertain Significance.

Ambry Genetics
Classification: Uncertain significance for Inborn genetic diseases. Last evaluated: 2024-07-30. Review status: criteria provided, single submitter. Criteria: Ambry Variant Classification Scheme 2023. Collection method: clinical testing. Allele origin: germline.